The following is an entry in ClinVar:

NM_000384.3(APOB):c.4217-15_4217-14delinsAT

Gene: APOB (apolipoprotein B; minus strand). Cytogenetic location: 2p24.1.
Variant type: Indel.
Coding change: c.4217-15_4217-14delinsAT on transcript NM_000384.3 (MANE Select); 15 bases into the intron before coding-DNA position 4217 through 14 bases into the intron before coding-DNA position 4217, TC replaced by AT.
Molecular consequence: intron variant.
Genome position (GRCh38, 1-based): chr2:21,012,665-21,012,666, GA replaced by AT on the plus strand (TC replaced by AT on the coding strand, the reverse complement: APOB is on the minus strand). VCF-style: chr2-21012665-GA-AT. GRCh37 (hg19) VCF-style: chr2-21235537-GA-AT.
Identifiers: ClinVar variation 2089344 (VCV002089344.1), dbSNP rs2465379433, ClinGen allele CA2580064973.

ClinVar aggregate classification (germline): Uncertain significance (1 of 4 stars; one submission).

Conditions:
Hypercholesterolemia, autosomal dominant, type B (FHCL2). Also called: Familial hypercholesterolemia 2; Familial Hypercholesterolemia Type B; APOLIPOPROTEIN B-100, FAMILIAL DEFECTIVE; APOLIPOPROTEIN B-100, FAMILIAL LIGAND-DEFECTIVE; HYPERCHOLESTEROLEMIA, FAMILIAL, DUE TO LIGAND-DEFECTIVE APOLIPOPROTEIN B; Hyperlipoproteinemia Type IIb. Identifiers: MedGen C1704417, MONDO:0007751, OMIM 144010.
Familial hypobetalipoproteinemia 1. Also called: APOB-Related Familial Hypobetalipoproteinemia; Hypobetalipoproteinemia, normotriglyceridemic; Acanthocytosis with hypobetalipoproteinemia. Identifiers: MedGen C4551990, MONDO:0014252, OMIM 615558.

Submission:

Labcorp Genetics (formerly Invitae), Labcorp
Classification: Uncertain significance for Familial hypobetalipoproteinemia 1; Hypercholesterolemia, autosomal dominant, type B. Last evaluated: 2022-05-08. Review status: criteria provided, single submitter. Criteria: Invitae Variant Classification Sherloc (09022015). Collection method: clinical testing. Allele origin: germline.
Comment: This sequence change falls in intron 25 of the APOB gene. It does not directly change the encoded amino acid sequence of the APOB protein. Information on the frequency of this variant in the gnomAD database is not available, as this variant may be reported differently in the database. This variant has not been reported in the literature in individuals affected with APOB-related conditions. Experimental studies and prediction algorithms are not available or were not evaluated, and the effect of this variant on mRNA splicing is currently unknown. In summary, the available evidence is currently insufficient to determine the role of this variant in disease. Therefore, it has been classified as a Variant of Uncertain Significance.